The following is an entry in ClinVar:

ClinVar aggregate classification (germline): Uncertain significance (1 of 4 stars; one submission).

Submission:

GeneDx
Classification: Uncertain significance. Last evaluated: 2024-03-15. Review status: criteria provided, single submitter. Criteria: GeneDx Variant Classification Process June 2021. Collection method: clinical testing. Allele origin: germline. Affected: yes.
Comment: Not observed at significant frequency in large population cohorts (gnomAD); In silico analysis supports that this missense variant has a deleterious effect on protein structure/function; Has not been previously published as pathogenic or benign to our knowledge

NM_001394062.1(MACF1):c.11911G>C (p.Ala3971Pro)

Gene: MACF1 (microtubule actin crosslinking factor 1; plus strand). Cytogenetic location: 1p34.3.
Variant type: single nucleotide variant.
Coding change: c.11911G>C on transcript NM_001394062.1 (MANE Select); coding-DNA position 11911, G replaced by C.
Protein change: p.Ala3971Pro; replaces alanine 3971 with proline.
Molecular consequence: missense variant.
Genome position (GRCh38, 1-based): chr1:39,357,861, G>C. VCF-style: chr1-39357861-G-C. GRCh37 (hg19) VCF-style: chr1-39823533-G-C.
Other names: c.5725G>C, p.Ala1909Pro (NM_012090.5); short protein forms A1909P, A3971P.
Identifiers: ClinVar variation 3370804 (VCV003370804.1).